The following is an entry in ClinVar:

ClinVar aggregate classification (germline): Likely benign (0 of 4 stars; one submission).

Conditions:
TOP3B-related disorder. Also called: TOP3B-related condition.

gnomAD v4.1: 22 of 1,613,794 alleles (0.0014%); highest among the groups gnomAD compares: South Asian, 0.012%; no homozygotes.

Submission:

PreventionGenetics, part of Exact Sciences
Classification: Likely benign for TOP3B-related condition. Last evaluated: 2024-09-18. Review status: no assertion criteria provided. Collection method: clinical testing. Allele origin: germline.
Comment: This variant is classified as likely benign based on ACMG/AMP sequence variant interpretation guidelines (Richards et al. 2015 PMID: 25741868, with internal and published modifications).

NM_001282112.2(TOP3B):c.429C>T (p.Gly143=)

Gene: TOP3B (DNA topoisomerase III beta; minus strand). Cytogenetic location: 22q11.22.
Variant type: single nucleotide variant.
Coding change: c.429C>T on transcript NM_001282112.2 (MANE Select); coding-DNA position 429, C replaced by T.
Protein change: p.Gly143=; no amino-acid change (glycine 143 retained).
Molecular consequence: synonymous variant. On other transcripts: non-coding transcript variant (1).
Genome position (GRCh38, 1-based): chr22:21,970,362, G>A on the plus strand (C>T on the coding strand, the complement: TOP3B is on the minus strand). VCF-style: chr22-21970362-G-A. GRCh37 (hg19) VCF-style: chr22-22324734-G-A.
Other names: c.429C>T, p.Gly143= (NM_001282113.2, NM_001349845.2, NM_001349847.2 and 1 more transcripts); c.21C>T, p.Gly7= (NM_001349848.2, NM_001349850.2, NM_001349851.2 and 1 more transcripts).
Identifiers: ClinVar variation 3350416 (VCV003350416.1).